The following is an entry in ClinVar:

ClinVar aggregate classification (germline): Uncertain significance (1 of 4 stars; one submission).

Submission:

GeneDx
Classification: Uncertain significance. Last evaluated: 2023-12-10. Review status: criteria provided, single submitter. Criteria: GeneDx Variant Classification Process June 2021. Collection method: clinical testing. Allele origin: germline. Affected: yes.
Comment: Not observed at significant frequency in large population cohorts (gnomAD); In silico analysis supports that this missense variant does not alter protein structure/function; Has not been previously published as pathogenic or benign to our knowledge

NM_016120.4(RLIM):c.704T>G (p.Met235Arg)

Gene: RLIM (ring finger protein, LIM domain interacting; minus strand). Cytogenetic location: Xq13.2.
Variant type: single nucleotide variant.
Coding change: c.704T>G on transcript NM_016120.4 (MANE Select); coding-DNA position 704, T replaced by G.
Protein change: p.Met235Arg; replaces methionine 235 with arginine.
Molecular consequence: missense variant.
Genome position (GRCh38, 1-based): chrX:74,592,611, A>C on the plus strand (T>G on the coding strand, the complement: RLIM is on the minus strand). VCF-style: chrX-74592611-A-C. GRCh37 (hg19) VCF-style: chrX-73812446-A-C.
Other names: c.704T>G, p.Met235Arg (NM_183353.3); short protein forms M235R.
Identifiers: ClinVar variation 3252856 (VCV003252856.1), dbSNP rs2519834865.